The following is an entry in ClinVar:

NM_182530.3(MYRFL):c.555G>A (p.Pro185=)

Gene: MYRFL (myelin regulatory factor like; plus strand). Cytogenetic location: 12q15.
Variant type: single nucleotide variant.
Coding change: c.555G>A on transcript NM_182530.3 (MANE Select); coding-DNA position 555, G replaced by A.
Protein change: p.Pro185=; no amino-acid change (proline 185 retained).
Molecular consequence: synonymous variant.
Genome position (GRCh38, 1-based): chr12:69,880,291, G>A. VCF-style: chr12-69880291-G-A. GRCh37 (hg19) VCF-style: chr12-70274071-G-A.
Identifiers: ClinVar variation 2643172 (VCV002643172.24), dbSNP rs138901473, ClinGen allele CA6682312.

ClinVar aggregate classification (germline): Likely benign (1 of 4 stars; one submission).

Allele frequency attached by ClinVar (database versions not stated): 1000 Genomes Project 30x 0.00078; 1000 Genomes Project 0.00080; TOPMed 0.00153; gnomAD 0.00200; ExAC 0.00033.
gnomAD v4.1: 1,369 of 702,534 alleles (0.19%); highest among the groups gnomAD compares: Non-Finnish European, 0.26%; no homozygotes.

Submission:

CeGaT Center for Human Genetics Tuebingen
Classification: Likely benign. Last evaluated: 2022-12-01. Review status: criteria provided, single submitter. Criteria: CeGaT Center For Human Genetics Tuebingen Variant Classification Criteria Version 2. Collection method: clinical testing. Allele origin: germline. Affected: yes. Observed: 1 variant allele.
Comment: MYRFL: BP4, BP7